The following is an entry in ClinVar:

ClinVar aggregate classification (germline): Uncertain significance (1 of 4 stars; one submission).

Allele frequency attached by ClinVar (database versions not stated): TOPMed below 0.00001.
gnomAD v4.1: 23 of 1,602,438 alleles (0.0014%); highest among the groups gnomAD compares: Non-Finnish European, 0.0016%; no homozygotes.

Submission:

Labcorp Genetics (formerly Invitae), Labcorp
Classification: Uncertain significance. Last evaluated: 2023-05-23. Review status: criteria provided, single submitter. Criteria: Invitae Variant Classification Sherloc (09022015). Collection method: clinical testing. Allele origin: germline.
Comment: This variant has not been reported in the literature in individuals affected with PDSS1-related conditions. This variant is present in population databases (no rsID available, gnomAD 0.0009%). This sequence change replaces isoleucine, which is neutral and non-polar, with threonine, which is neutral and polar, at codon 306 of the PDSS1 protein (p.Ile306Thr). Advanced modeling of protein sequence and biophysical properties (such as structural, functional, and spatial information, amino acid conservation, physicochemical variation, residue mobility, and thermodynamic stability) performed at Invitae indicates that this missense variant is not expected to disrupt PDSS1 protein function. In summary, the available evidence is currently insufficient to determine the role of this variant in disease. Therefore, it has been classified as a Variant of Uncertain Significance.

NM_014317.5(PDSS1):c.917T>C (p.Ile306Thr)

Gene: PDSS1 (decaprenyl diphosphate synthase subunit 1; plus strand). Cytogenetic location: 10p12.1.
Variant type: single nucleotide variant.
Coding change: c.917T>C on transcript NM_014317.5 (MANE Select); coding-DNA position 917, T replaced by C.
Protein change: p.Ile306Thr; replaces isoleucine 306 with threonine.
Molecular consequence: missense variant. On other transcripts: intron variant (1).
Genome position (GRCh38, 1-based): chr10:26,735,470, T>C. VCF-style: chr10-26735470-T-C. GRCh37 (hg19) VCF-style: chr10-27024399-T-C.
Other names: c.407T>C, p.Ile136Thr (NM_001321979.2); c.836-7027T>C (NM_001321978.2); short protein forms I306T, I136T.
Identifiers: ClinVar variation 2897013 (VCV002897013.3), dbSNP rs756579797, ClinGen allele CA376350690.